The following is an entry in ClinVar:

ClinVar aggregate classification (germline): Likely pathogenic (1 of 4 stars; one submission).

Conditions:
Holoprosencephaly 10. Identifiers: MedGen C2675857, MONDO:0976262, OMIM 621143.

Submission:

Diagnostics Services (NGS), CSIR - Centre For Cellular And Molecular Biology
Classification: Likely pathogenic for Holoprosencephaly 10. Last evaluated: 2025-07-07. Review status: criteria provided, single submitter. Criteria: ACMG Guidelines, 2015. Collection method: clinical testing. Allele origin: unknown. Observed: 1 variant allele, 1 heterozygote.
Comment: The c.2064C>A variant is not present in 1000 Genomes, EVS, ExAC, gnomAD, Indian Exome Database or our internal database. This variant has neither been published in literature with DISP1-related conditions nor reported to the clinical databases like ClinVar, Human Genome Mutation Database (HGMD) or OMIM, in any affected individuals. In-silico pathogenicity prediction programs like MutationTaster2021, CADD etc predicted this variant to be likely deleterious. This variant is located at the last exon of the gene and creates a premature translational stop signal at the 688th amino acid position of the wild-type transcript that may result in translation of a truncated protein (≥ 50%) however not predicted to cause nonsense mediated decay of the mRNA.

NM_001377229.1(DISP1):c.2064C>A (p.Cys688Ter)

Gene: DISP1 (dispatched RND transporter family member 1; plus strand). Cytogenetic location: 1q41.
Variant type: single nucleotide variant.
Coding change: c.2064C>A on transcript NM_001377229.1 (MANE Select); coding-DNA position 2064, C replaced by A.
Protein change: p.Cys688Ter; replaces cysteine 688 with a stop codon.
Molecular consequence: nonsense.
Genome position (GRCh38, 1-based): chr1:223,003,461, C>A. VCF-style: chr1-223003461-C-A. GRCh37 (hg19) VCF-style: chr1-223176803-C-A.
Other names: c.1335C>A, p.Cys445Ter (NM_001350630.2); c.2064C>A, p.Cys688Ter (NM_001369594.1, NM_001377228.1, NM_032890.5); short protein forms C445*, C688*.
Identifiers: ClinVar variation 4057294 (VCV004057294.1).